The following is an entry in ClinVar:

ClinVar aggregate classification (germline): Pathogenic (1 of 4 stars; one submission).

Conditions:
Anauxetic dysplasia. Identifiers: Orphanet 93347, MedGen C1846796, MONDO:0011773.

Submission:

Labcorp Genetics (formerly Invitae), Labcorp
Classification: Pathogenic for Anauxetic dysplasia. Last evaluated: 2023-11-13. Review status: criteria provided, single submitter. Criteria: Invitae Variant Classification Sherloc (09022015). Collection method: clinical testing. Allele origin: germline.
Comment: This variant occurs in the RMRP gene, which encodes an RNA molecule that does not result in a protein product. This variant is not present in population databases (gnomAD no frequency). While this particular variant has not been reported in the literature, it is located in the promoter region between the TATA box and the transcription initiation site, and other insertions and duplications immediately upstream of the coding sequence have been reported in individuals affected with cartilage-hair hypoplasia-anauxetic dysplasia (CHH-AD) spectrum disorders (PMID: 16244706, 11207361, 12107819). While functional studies for this variant have not been reported, experimental analyses using patient derived cells, as well as in vitro transfection studies, have shown that promoter insertions result in silencing of RMRP transcription and reduced expression of the gene product (PMID: 11207361, 16254002). For these reasons, this variant has been classified as Pathogenic.

Literature cited by the submitters: PubMed 16244706; PubMed 11207361; PubMed 12107819; PubMed 16254002.

NC_000009.12:g.35658038_35658039insGTCACAGAG

Gene: RMRP (RNA component of mitochondrial RNA processing endoribonuclease; minus strand). Cytogenetic location: 9p13.3.
Variant type: Insertion.
Genome position: GRCh38 VCF-style: chr9-35658030-T-TTCACAGAGG. GRCh37 (hg19) VCF-style: chr9-35658027-T-TTCACAGAGG.
Identifiers: ClinVar variation 2794378 (VCV002794378.3), dbSNP rs2490604082, ClinGen allele CA2739269242.